The following is an entry in ClinVar:

ClinVar aggregate classification (germline): Uncertain significance (0 of 4 stars; one submission).

Submission:

Department of Pathology and Laboratory Medicine, Sinai Health System
Classification: Uncertain significance. Review status: no assertion criteria provided. Collection method: clinical testing. Allele origin: unknown. Affected: yes. Study: The Canadian Open Genetics Repository (COGR).
Comment: The EHBP1 p.Asp197del variant was not identified in the literature nor was it identified in ClinVar or LOVD 3.0. The variant was identified in dbSNP (ID: rs1447600154) and in control databases in 1 of 31400 chromosomes at a frequency of 0.00003185 (Genome Aggregation Database March 6, 2019, v2.1.1). The variant was observed in the European (non-Finnish) population in 1 of 15430 chromosomes (freq: 0.000065), but was not observed in the African, Latino, Ashkenazi Jewish, East Asian, European (Finnish), Other, or South Asian populations. This variant is an in-frame deletion resulting in the removal of a aspartic acid (asp) residue at codon 197; the impact of this alteration on EHBP1 protein function is not known. The variant occurs outside of the splicing consensus sequence and in silico or computational prediction software programs (SpliceSiteFinder, MaxEntScan, NNSPLICE, GeneSplicer) do not predict a difference in splicing. In summary, based on the above information the clinical significance of this variant cannot be determined with certainty at this time. This variant is classified as a variant of uncertain significance.

NM_001142616.3(EHBP1):c.585TGA[2] (p.Asp197del)

Gene: EHBP1 (EH domain binding protein 1; plus strand). Cytogenetic location: 2p15.
Variant type: Microsatellite.
Coding change: c.585TGA[2] on transcript NM_001142616.3 (MANE Select); two copies in a row of the 3-base unit TGA starting at c.585; the reference has three copies in a row; one copy, 3 bases deleted.
Protein change: p.Asp197del; deletes aspartic acid 197.
Molecular consequence: inframe deletion.
Genome position (GRCh38, 1-based): chr2:62,831,115-62,831,117, TGA deleted; deleting any 3 consecutive bases within chr2:62,831,107-62,831,117 gives the same sequence; the position shown is the placement nearest the transcript's 3' end. VCF-style (leftmost placement, unchanged base first): chr2-62831106-AGAT-A. GRCh37 (hg19) VCF-style: chr2-63058241-AGAT-A.
Other names: c.585TGA[2], p.Asp197del (NM_001142614.2, NM_001142615.3, NM_001354212.1 and 11 more transcripts); short protein forms D197del.
Identifiers: ClinVar variation 1048947 (VCV001048947.1), dbSNP rs1447600154, ClinGen allele CA533443708.